The following is an entry in ClinVar:

NM_005188.4(CBL):c.1303G>A (p.Asp435Asn)

Gene: CBL (Cbl proto-oncogene; plus strand). Cytogenetic location: 11q23.3.
Variant type: single nucleotide variant.
Coding change: c.1303G>A on transcript NM_005188.4 (MANE Select); coding-DNA position 1303, G replaced by A.
Protein change: p.Asp435Asn; replaces aspartic acid 435 with asparagine.
Molecular consequence: missense variant.
Genome position (GRCh38, 1-based): chr11:119,278,585, G>A. VCF-style: chr11-119278585-G-A. GRCh37 (hg19) VCF-style: chr11-119149295-G-A.
Other names: short protein forms D435N.
Identifiers: ClinVar variation 3996038 (VCV003996038.1).

ClinVar aggregate classification (germline): Uncertain significance (1 of 4 stars; one submission).

Conditions:
Cardiovascular phenotype. Identifiers: MedGen CN230736.

gnomAD v4.1: 1 of 1,614,046 alleles (0.000062%); highest among the groups gnomAD compares: Non-Finnish European, 0.000085%; no homozygotes.

Submission:

Ambry Genetics
Classification: Uncertain significance for Cardiovascular phenotype. Last evaluated: 2025-05-02. Review status: criteria provided, single submitter. Criteria: Ambry Variant Classification Scheme 2023. Collection method: clinical testing. Allele origin: germline.
Comment: The p.D435N variant (also known as c.1303G>A), located in coding exon 9 of the CBL gene, results from a G to A substitution at nucleotide position 1303. The aspartic acid at codon 435 is replaced by asparagine, an amino acid with highly similar properties. This amino acid position is conserved. In addition, this alteration is predicted to be tolerated by in silico analysis. Based on the available evidence, the clinical significance of this variant remains unclear.